The following is an entry in ClinVar:

ClinVar aggregate classification (germline): Uncertain significance (1 of 4 stars; one submission).

Conditions:
Idiopathic generalized epilepsy. Also called: Generalised epilepsy; EIG. Identifiers: MedGen C0270850, MONDO:0005579, OMIM 600669.
Hyperaldosteronism, familial, type IV (HALD4). Also called: FH IV; ALDOSTERONISM, PRIMARY, AND HYPERTENSION. Identifiers: Orphanet 642671, MedGen C4310756, MONDO:0014875, OMIM 617027.

Submission:

Labcorp Genetics (formerly Invitae), Labcorp
Classification: Uncertain significance for Idiopathic generalized epilepsy; Hyperaldosteronism, familial, type IV. Last evaluated: 2025-09-02. Review status: criteria provided, single submitter. Criteria: Invitae Variant Classification Sherloc (09022015). Collection method: clinical testing. Allele origin: germline.
Comment: This sequence change falls in intron 27 of the CACNA1H gene. It does not directly change the encoded amino acid sequence of the CACNA1H protein. It affects a nucleotide within the consensus splice site. This variant is not present in population databases (gnomAD no frequency). This variant has not been reported in the literature in individuals affected with CACNA1H-related conditions. ClinVar contains an entry for this variant (Variation ID: 952585). Variants that disrupt the consensus splice site are a relatively common cause of aberrant splicing (PMID: 17576681, 9536098). Algorithms developed to predict the effect of sequence changes on RNA splicing suggest that this variant may disrupt the consensus splice site. In summary, the available evidence is currently insufficient to determine the role of this variant in disease. Therefore, it has been classified as a Variant of Uncertain Significance.

Literature cited by the submitters: PubMed 17576681; PubMed 9536098.

NM_021098.3(CACNA1H):c.4930-3C>A

Gene: CACNA1H (calcium voltage-gated channel subunit alpha1 H; plus strand). Cytogenetic location: 16p13.3.
Variant type: single nucleotide variant.
Coding change: c.4930-3C>A on transcript NM_021098.3 (MANE Select); 3 bases into the intron before coding-DNA position 4930, C replaced by A.
Molecular consequence: intron variant.
Genome position (GRCh38, 1-based): chr16:1,214,969, C>A. VCF-style: chr16-1214969-C-A. GRCh37 (hg19) VCF-style: chr16-1264969-C-A.
Other names: c.4912-3C>A (NM_001005407.2).
Identifiers: ClinVar variation 952585 (VCV000952585.9), dbSNP rs1969886500, ClinGen allele CA1139663446.
Genomic context (GRCh38, chr16:1,214,969, plus strand): 5'-GGAGCCAGGGGGAAGAGGGGTGGCCCCAGCCCCACCTCAGCCAGCCCGACCCTCCACCCC[C>A]AGTCGCTGGACGAGGCCCTCAAGTACTGCAACTACGTCTTCACCATCGTGTTTGTCTTCG-3'